The following is an entry in ClinVar:

ClinVar aggregate classification (germline): Uncertain significance (1 of 4 stars; one submission).

Submission:

Labcorp Genetics (formerly Invitae), Labcorp
Classification: Uncertain significance. Last evaluated: 2023-05-22. Review status: criteria provided, single submitter. Criteria: Invitae Variant Classification Sherloc (09022015). Collection method: clinical testing. Allele origin: germline.
Comment: Experimental studies and prediction algorithms are not available or were not evaluated, and the functional significance of this variant is currently unknown. In summary, the available evidence is currently insufficient to determine the role of this variant in disease. Therefore, it has been classified as a Variant of Uncertain Significance. This variant has not been reported in the literature in individuals affected with ZSWIM6-related conditions. This variant results in a copy number gain of the genomic region encompassing exon(s) 5-14 of the ZSWIM6 gene. This region includes the termination codon of the gene. This copy number gain extends beyond the assayed region for this gene and therefore may encompass additional genes. As the precise location of this event is unknown, it may be in tandem or it may be located elsewhere in the genome.

NC_000005.9:g.(?_60817070)_(60840144_?)dup

Gene: ZSWIM6 (zinc finger SWIM-type containing 6; plus strand). Cytogenetic location: 5q12.1.
Variant type: Duplication.
Identifiers: ClinVar variation 1437642 (VCV001437642.5).